The following is an entry in ClinVar:

NM_021930.6(RINT1):c.649G>T (p.Val217Phe)

Gene: RINT1 (RAD50 interactor 1; plus strand). Cytogenetic location: 7q22.3.
Variant type: single nucleotide variant.
Coding change: c.649G>T on transcript NM_021930.6 (MANE Select); coding-DNA position 649, G replaced by T.
Protein change: p.Val217Phe; replaces valine 217 with phenylalanine.
Molecular consequence: missense variant. On other transcripts: 5 prime UTR variant (2), non-coding transcript variant (1), intron variant (1).
Genome position (GRCh38, 1-based): chr7:105,547,043, G>T. VCF-style: chr7-105547043-G-T. GRCh37 (hg19) VCF-style: chr7-105187490-G-T.
Other names: c.415G>T, p.Val139Phe (NM_001346599.2); c.-371G>T (NM_001346600.2); c.-274G>T (NM_001346601.2); c.-27-3012G>T (NM_001346603.2); short protein forms V217F, V139F.
Identifiers: ClinVar variation 241413 (VCV000241413.13), dbSNP rs878855074, ClinGen allele CA10582459.

ClinVar aggregate classification (germline): Uncertain significance. Review status: criteria provided, multiple submitters, no conflicts (2 of 4 stars). 2 submissions from 2 submitters: Uncertain significance (2). Last evaluated 2025-02-12.

Submissions (2):

Ambry Genetics
Classification: Uncertain significance. Last evaluated: 2025-02-12. Review status: criteria provided, single submitter. Criteria: Ambry Variant Classification Scheme 2023. Collection method: clinical testing. Allele origin: germline.
Comment: The p.V217F variant (also known as c.649G>T), located in coding exon 5 of the RINT1 gene, results from a G to T substitution at nucleotide position 649. The valine at codon 217 is replaced by phenylalanine, an amino acid with highly similar properties. This amino acid position is conserved. In addition, this alteration is predicted to be tolerated by in silico analysis. Since supporting evidence is limited at this time, the clinical significance of this alteration remains unclear.

Labcorp Genetics (formerly Invitae), Labcorp
Classification: Uncertain significance. Last evaluated: 2015-11-24. Review status: criteria provided, single submitter. Criteria: Invitae Variant Classification Sherloc (09022015). Collection method: clinical testing. Allele origin: germline.
Comment: In summary, this is a novel missense change with uncertain impact on protein function. It has been classified as a Variant of Uncertain Significance. This variant is not present in population databases (ExAC no frequency) and has not been reported in the literature. Algorithms developed to predict the effect of missense changes on protein structure and function do not agree on the potential impact of this missense change (SIFT: "Deleterious"; PolyPhen-2: "Possibly Damaging"; Align-GVGD: "Class C0"). This sequence change replaces valine with phenylalanine at codon 217 of the RINT1 protein (p.Val217Phe). The valine residue is moderately conserved and there is a small physicochemical difference between valine and phenylalanine.